The following is an entry in ClinVar:

NM_003055.3(SLC18A3):c.1541C>G (p.Pro514Arg)

Genes: CHAT (choline O-acetyltransferase; plus strand), SLC18A3 (solute carrier family 18 member A3; plus strand). Cytogenetic location: 10q11.23.
Variant type: single nucleotide variant.
Coding change: c.1541C>G on transcript NM_003055.3 (MANE Select); coding-DNA position 1541, C replaced by G.
Protein change: p.Pro514Arg; replaces proline 514 with arginine.
Molecular consequence: missense variant. On other transcripts: intron variant (1).
Genome position (GRCh38, 1-based): chr10:49,612,281, C>G. VCF-style: chr10-49612281-C-G. GRCh37 (hg19) VCF-style: chr10-50820327-C-G.
Other names: c.-69+3082C>G (NM_020984.4); short protein forms P514R.
Identifiers: ClinVar variation 1474889 (VCV001474889.6), dbSNP rs757770562, ClinGen allele CA376723979.

ClinVar aggregate classification (germline): Uncertain significance (1 of 4 stars; one submission).

gnomAD v4.1: 11 of 1,611,866 alleles (0.00068%); highest among the groups gnomAD compares: Non-Finnish European, 0.00085%; no homozygotes.

Submission:

Labcorp Genetics (formerly Invitae), Labcorp
Classification: Uncertain significance. Last evaluated: 2023-12-19. Review status: criteria provided, single submitter. Criteria: Invitae Variant Classification Sherloc (09022015). Collection method: clinical testing. Allele origin: germline.
Comment: This sequence change replaces proline, which is neutral and non-polar, with arginine, which is basic and polar, at codon 514 of the SLC18A3 protein (p.Pro514Arg). This variant is not present in population databases (gnomAD no frequency). This variant has not been reported in the literature in individuals affected with SLC18A3-related conditions. ClinVar contains an entry for this variant (Variation ID: 1474889). An algorithm developed to predict the effect of missense changes on protein structure and function (PolyPhen-2) suggests that this variant is likely to be tolerated. In summary, the available evidence is currently insufficient to determine the role of this variant in disease. Therefore, it has been classified as a Variant of Uncertain Significance.